The following is an entry in ClinVar:

ClinVar aggregate classification (germline): Pathogenic/Likely pathogenic. Review status: criteria provided, multiple submitters, no conflicts (2 of 4 stars). 3 submissions from 3 submitters: Pathogenic (2); Likely pathogenic (1). Last evaluated 2024-04-30.

Conditions:
Spastic paraplegia. Identifiers: MedGen C0037772, HP:0001258.
Hereditary spastic paraplegia 15 (SPG15). Also called: SPASTIC PARAPLEGIA 15, AUTOSOMAL RECESSIVE; SPASTIC PARAPLEGIA AND RETINAL DEGENERATION; KJELLIN SYNDROME. Identifiers: Orphanet 100996, MedGen C1849128, MONDO:0010044, OMIM 270700.

Allele frequency attached by ClinVar (database versions not stated): gnomAD exomes below 0.00001; TOPMed below 0.00001.
gnomAD v4.1: 4 of 1,614,174 alleles (0.00025%); highest among the groups gnomAD compares: Non-Finnish European, 0.00034%; no homozygotes.

Submissions (3):

Fulgent Genetics
Classification: Likely pathogenic for Hereditary spastic paraplegia 15. Last evaluated: 2024-04-30. Review status: criteria provided, single submitter. Criteria: ACMG Guidelines, 2015. Collection method: clinical testing. Allele origin: germline.

Labcorp Genetics (formerly Invitae), Labcorp
Classification: Pathogenic for Spastic paraplegia. Last evaluated: 2022-03-27. Review status: criteria provided, single submitter. Criteria: Invitae Variant Classification Sherloc (09022015). Collection method: clinical testing. Allele origin: germline.
Comment: This sequence change creates a premature translational stop signal (p.Tyr657*) in the ZFYVE26 gene. It is expected to result in an absent or disrupted protein product. Loss-of-function variants in ZFYVE26 are known to be pathogenic (PMID: 18394578, 19805727). For these reasons, this variant has been classified as Pathogenic. ClinVar contains an entry for this variant (Variation ID: 989051). This variant has not been reported in the literature in individuals affected with ZFYVE26-related conditions. This variant is not present in population databases (gnomAD no frequency).

Paris Brain Institute, Inserm - ICM
Classification: Pathogenic for Hereditary spastic paraplegia 15. Review status: criteria provided, single submitter. Criteria: ACMG Guidelines, 2015. Collection method: clinical testing. Allele origin: unknown. Affected: yes. Observed: 1 variant allele.

Literature cited by the submitters: PubMed 18394578 (cited by Labcorp Genetics (formerly Invitae), Labcorp); PubMed 19805727 (cited by Labcorp Genetics (formerly Invitae), Labcorp).

NM_015346.4(ZFYVE26):c.1971C>G (p.Tyr657Ter)

Gene: ZFYVE26 (zinc finger FYVE-type containing 26; minus strand). Cytogenetic location: 14q24.1.
Variant type: single nucleotide variant.
Coding change: c.1971C>G on transcript NM_015346.4 (MANE Select); coding-DNA position 1971, C replaced by G.
Protein change: p.Tyr657Ter; replaces tyrosine 657 with a stop codon.
Molecular consequence: nonsense.
Genome position (GRCh38, 1-based): chr14:67,798,291, G>C on the plus strand (C>G on the coding strand, the complement: ZFYVE26 is on the minus strand). VCF-style: chr14-67798291-G-C. GRCh37 (hg19) VCF-style: chr14-68265008-G-C.
Other names: short protein forms Y657*.
Identifiers: ClinVar variation 989051 (VCV000989051.9), dbSNP rs2040001177, ClinGen allele CA390175468.